The following is an entry in ClinVar:

ClinVar aggregate classification (germline): Uncertain significance. Review status: criteria provided, multiple submitters, no conflicts (2 of 4 stars). 3 submissions from 3 submitters: Uncertain significance (3). Last evaluated 2025-10-21.

Conditions:
Arrhythmogenic right ventricular dysplasia 5. Also called: Arrhythmogenic Right Ventricular Dysplasia/Cardiomyopathy 5; ARRHYTHMOGENIC RIGHT VENTRICULAR DYSPLASIA, FAMILIAL, 5. Identifiers: MedGen C1858379, MONDO:0011459, OMIM 604400.
Cardiomyopathy (CMYO). Also called: Cardiomyopathies. Identifiers: Orphanet 167848, MedGen C0878544, MONDO:0004994, HP:0001638. Inheritance: Various modes of inheritance.

Allele frequency attached by ClinVar (database versions not stated): gnomAD exomes 0.00001; TOPMed 0.00001.
gnomAD v4.1: 8 of 1,614,094 alleles (0.0005%); highest among the groups gnomAD compares: South Asian, 0.0022%; no homozygotes.

Submissions (3):

Labcorp Genetics (formerly Invitae), Labcorp
Classification: Uncertain significance for Arrhythmogenic right ventricular dysplasia 5. Last evaluated: 2025-10-21. Review status: criteria provided, single submitter. Criteria: Invitae Variant Classification Sherloc (09022015). Collection method: clinical testing. Allele origin: germline.
Comment: This sequence change replaces aspartic acid, which is acidic and polar, with asparagine, which is neutral and polar, at codon 198 of the TMEM43 protein (p.Asp198Asn). This variant is present in population databases (no rsID available, gnomAD 0.006%). This variant has not been reported in the literature in individuals affected with TMEM43-related conditions. ClinVar contains an entry for this variant (Variation ID: 918850). Invitae Evidence Modeling of protein sequence and biophysical properties (such as structural, functional, and spatial information, amino acid conservation, physicochemical variation, residue mobility, and thermodynamic stability) indicates that this missense variant is not expected to disrupt TMEM43 protein function with a negative predictive value of 80%. In summary, the available evidence is currently insufficient to determine the role of this variant in disease. Therefore, it has been classified as a Variant of Uncertain Significance.

All of Us Research Program, National Institutes of Health
Classification: Uncertain significance for Arrhythmogenic right ventricular dysplasia 5. Last evaluated: 2023-05-04. Review status: criteria provided, single submitter. Criteria: ACMG Guidelines, 2015. Collection method: clinical testing. Allele origin: germline. Inheritance: Autosomal dominant inheritance. Observed: 2 variant alleles, 2 heterozygotes.
Comment: This missense variant replaces aspartic acid with asparagine at codon 198 of the TMEM43 protein. Computational prediction tools and conservation analyses are inconclusive regarding the impact of this variant on the protein function. Computational splicing tools suggest that this variant may not impact RNA splicing. To our knowledge, functional assays have not been performed for this variant nor has this variant been reported in individuals affected with cardiovascular disorders in the literature. This variant has been identified in 3/251442 chromosomes in the general population by the Genome Aggregation Database (gnomAD). Available evidence is insufficient to determine the role of this variant in disease conclusively. Therefore, this variant is classified as a Variant of Uncertain Significance.

This study involves interpretation of variants in research participants for the purpose of population health screening. Participant phenotype was not available at the time of variant classification. Additional details can be found in publication PMID: 35346344, PMCID: PMC8962531

Color Diagnostics, LLC DBA Color Health
Classification: Uncertain significance for Cardiomyopathy. Last evaluated: 2023-02-09. Review status: criteria provided, single submitter. Criteria: ACMG Guidelines, 2015. Collection method: clinical testing. Allele origin: germline.
Comment: This missense variant replaces aspartic acid with asparagine at codon 198 of the TMEM43 protein. Computational prediction suggests that this variant may not impact protein structure and function (internally defined REVEL score threshold <= 0.5, PMID: 27666373). To our knowledge, functional studies have not been reported for this variant. This variant has not been reported in individuals affected with TMEM43-related disorders in the literature. This variant has been identified in 3/251442 chromosomes in the general population by the Genome Aggregation Database (gnomAD). The available evidence is insufficient to determine the role of this variant in disease conclusively. Therefore, this variant is classified as a Variant of Uncertain Significance.

NM_024334.3(TMEM43):c.592G>A (p.Asp198Asn)

Gene: TMEM43 (transmembrane protein 43; plus strand). Cytogenetic location: 3p25.1.
Variant type: single nucleotide variant.
Coding change: c.592G>A on transcript NM_024334.3 (MANE Select); coding-DNA position 592, G replaced by A.
Protein change: p.Asp198Asn; replaces aspartic acid 198 with asparagine.
Molecular consequence: missense variant.
Genome position (GRCh38, 1-based): chr3:14,134,778, G>A. VCF-style: chr3-14134778-G-A. GRCh37 (hg19) VCF-style: chr3-14176278-G-A.
Other names: short protein forms D198N.
Identifiers: ClinVar variation 918850 (VCV000918850.17), dbSNP rs1383512011, ClinGen allele CA351535440.